The following is an entry in ClinVar:

ClinVar aggregate classification (germline): Pathogenic/Likely pathogenic. Review status: criteria provided, multiple submitters, no conflicts (2 of 4 stars). 6 submissions from 6 submitters: Pathogenic (2); Likely pathogenic (3). 1 of the submissions does not count toward it. Last evaluated 2026-01-09.

Conditions:
Fetal akinesia deformation sequence 2. Identifiers: MedGen C4760576, MONDO:0100102, OMIM 618388.
Fetal akinesia deformation sequence 1 (FADS1). Also called: Fetal akinesia sequence; Pena-Shokeir syndrome type I. Identifiers: Orphanet 994, MedGen C1276035, MONDO:0100101, OMIM 208150, HP:0001989.
Congenital myasthenic syndrome 11. Also called: MYASTHENIC SYNDROME, CONGENITAL, Ie; Myasthenic syndrome, congenital, 11, associated with acetylcholine receptor deficiency. Identifiers: Orphanet 590, MedGen C4225367, MONDO:0014588, OMIM 616326.
RAPSN-related disorder. Also called: RAPSN-related condition; RAPSN-related disorders. Identifiers: MedGen CN239397.
Congenital myasthenic syndrome (CMS). Also called: Congenital Myasthenic Syndromes. Identifiers: Orphanet 590, MedGen C0751882, MeSH D020294, MONDO:0018940.

Allele frequency attached by ClinVar (database versions not stated): TOPMed below 0.00001; ExAC 0.00001; gnomAD 0.00001; gnomAD exomes 0.00001 and 0.00002.
gnomAD v4.1: 13 of 1,613,322 alleles (0.00081%); highest among the groups gnomAD compares: East Asian, 0.0067%; no homozygotes.

Submissions (6):

Labcorp Genetics (formerly Invitae), Labcorp
Classification: Pathogenic for Congenital myasthenic syndrome 11; Fetal akinesia deformation sequence 1. Last evaluated: 2026-01-09. Review status: criteria provided, single submitter. Criteria: Invitae Variant Classification Sherloc (09022015). Collection method: clinical testing. Allele origin: germline.
Comment: This sequence change replaces glutamic acid, which is acidic and polar, with lysine, which is basic and polar, at codon 162 of the RAPSN protein (p.Glu162Lys). This variant is present in population databases (rs121909255, gnomAD 0.02%). This missense change has been observed in individual(s) with fetal akinesia deformation sequence, arthrogryposis multiplex congenita, and congenital myasthenic syndrome (PMID: 17594401, 26147564, 26910802, 28495245). In at least one individual the data is consistent with being in trans (on the opposite chromosome) from a pathogenic variant. ClinVar contains an entry for this variant (Variation ID: 8056). Invitae Evidence Modeling of protein sequence and biophysical properties (such as structural, functional, and spatial information, amino acid conservation, physicochemical variation, residue mobility, and thermodynamic stability) has been performed for this missense variant. However, the output from this modeling did not meet the statistical confidence thresholds required to predict the impact of this variant on RAPSN protein function. Experimental studies have shown that this missense change affects RAPSN function (PMID: 17594401). For these reasons, this variant has been classified as Pathogenic.

Myriad Genetics, Inc.
Classification: Likely pathogenic for RAPSN-related disorder. Last evaluated: 2025-01-14. Review status: criteria provided, single submitter. Criteria: Myriad Autosomal Dominant, Autosomal Recessive and X-Linked Classification Criteria (2023). Collection method: clinical testing. Allele origin: unknown.
Comment: NM_005055.4(RAPSN):c.484G>A(E162K) is a missense variant classified as likely pathogenic in the context of RAPSN-related disorders. E162K has been observed in cases with relevant disease (PMID: 17594401, 28495245, 26147564, 30712878). Relevant functional assessments of this variant are available in the literature (PMID: 17594401). E162K has been observed in referenced population frequency databases. In summary, NM_005055.4(RAPSN):c.484G>A(E162K) is a missense variant that has been observed more frequently in cases with the relevant disease than in healthy populations. Please note: this variant was assessed in the context of healthy population screening.

Natera, Inc.
Classification: Likely pathogenic for Congenital myasthenic syndrome. Last evaluated: 2024-12-23. Review status: criteria provided, single submitter. Criteria: Natera Variant Classification Schema (03/2026). Collection method: clinical testing. Allele origin: germline.
Comment: The c.484G>A variant in RAPSN is a missense variant predicted to cause substitution of glutamic acid to lysine at amino acid 162. This variant is rare in the general population with a frequency below the threshold expected for the associated phenotype(s). This variant has been observed in one or more individuals affected with the associated recessive disease, as either homozygous or compound heterozygous with a second variant (PMID: 17594401, 26147564, 28495245, 26910802). Computational prediction algorithms indicate this variant is likely to affect gene or protein function. Given the available evidence, this variant is classified as Likely Pathogenic.

Fulgent Genetics
Classification: Likely pathogenic for Congenital myasthenic syndrome 11; Fetal akinesia deformation sequence 2. Last evaluated: 2024-06-06. Review status: criteria provided, single submitter. Criteria: ACMG Guidelines, 2015. Collection method: clinical testing. Allele origin: germline.

Baylor Genetics
Classification: Pathogenic for Fetal akinesia deformation sequence 2. Last evaluated: 2024-03-01. Review status: criteria provided, single submitter. Criteria: ACMG Guidelines, 2015. Collection method: clinical testing. Allele origin: unknown.

OMIM
Classification: Pathogenic for MYASTHENIC SYNDROME, CONGENITAL, 11, ASSOCIATED WITH ACETYLCHOLINE RECEPTOR DEFICIENCY. Last evaluated: 2007-07-01. Review status: no assertion criteria provided. Collection method: literature only. Allele origin: germline. Not counted in ClinVar's aggregate classification.

Literature cited by the submitters: PubMed 17594401 (cited by 4 submitters); PubMed 26147564 (cited by 3 submitters); PubMed 26910802 (cited by Labcorp Genetics (formerly Invitae), Labcorp and Natera, Inc.); PubMed 28495245 (cited by 3 submitters); PubMed 30712878 (cited by Myriad Genetics, Inc.).

NM_005055.5(RAPSN):c.484G>A (p.Glu162Lys)

Gene: RAPSN (receptor associated protein of the synapse; minus strand). Cytogenetic location: 11p11.2.
Variant type: single nucleotide variant.
Coding change: c.484G>A on transcript NM_005055.5 (MANE Select); coding-DNA position 484, G replaced by A.
Protein change: p.Glu162Lys; replaces glutamic acid 162 with lysine.
Molecular consequence: missense variant.
Genome position (GRCh38, 1-based): chr11:47,447,859, C>T on the plus strand (G>A on the coding strand, the complement: RAPSN is on the minus strand). VCF-style: chr11-47447859-C-T. GRCh37 (hg19) VCF-style: chr11-47469411-C-T.
Other names: c.484G>A, p.Glu162Lys (NM_032645.5); short protein forms E162K.
Identifiers: ClinVar variation 8056 (VCV000008056.14), dbSNP rs121909255, ClinGen allele CA119258.